The following is an entry in ClinVar:

NC_000010.10:g.(?_86008658)_(86008819_?)del

Gene: RGR (retinal G protein coupled receptor; plus strand). Cytogenetic location: 10q23.1.
Variant type: Deletion.
Identifiers: ClinVar variation 1060959 (VCV001060959.5).

ClinVar aggregate classification (germline): Uncertain significance (1 of 4 stars; one submission).

Submission:

Labcorp Genetics (formerly Invitae), Labcorp
Classification: Uncertain significance. Last evaluated: 2022-08-31. Review status: criteria provided, single submitter. Criteria: Invitae Variant Classification Sherloc (09022015). Collection method: clinical testing. Allele origin: germline.
Comment: This variant is a gross deletion of the genomic region encompassing exon(s) 3 of the RGR gene. This deletion is out-of-frame, and is expected to create a premature translational stop signal and result in an absent or disrupted protein product. However, the current clinical and genetic evidence is not sufficient to establish whether loss-of-function variants in RGR cause disease. This variant has not been reported in the literature in individuals affected with RGR-related conditions. In summary, the available evidence is currently insufficient to determine the role of this variant in disease. Therefore, it has been classified as a Variant of Uncertain Significance.